The following is an entry in ClinVar:

ClinVar aggregate classification (germline): Uncertain significance (1 of 4 stars; one submission).

Conditions:
Combined oxidative phosphorylation defect type 14. Also called: Combined oxidative phosphorylation deficiency 14. Identifiers: Orphanet 319519, MedGen C4755312, MONDO:0013986, OMIM 614946.

Allele frequency attached by ClinVar (database versions not stated): TOPMed below 0.00001; gnomAD exomes 0.00001.
gnomAD v4.1: 10 of 1,607,814 alleles (0.00062%); highest among the groups gnomAD compares: South Asian, 0.0011%; no homozygotes.

Submission:

Labcorp Genetics (formerly Invitae), Labcorp
Classification: Uncertain significance for Combined oxidative phosphorylation defect type 14. Last evaluated: 2024-08-18. Review status: criteria provided, single submitter. Criteria: Invitae Variant Classification Sherloc (09022015). Collection method: clinical testing. Allele origin: germline.
Comment: This sequence change replaces arginine, which is basic and polar, with tryptophan, which is neutral and slightly polar, at codon 198 of the FARS2 protein (p.Arg198Trp). The frequency data for this variant in the population databases is considered unreliable, as metrics indicate poor data quality at this position in the gnomAD database. This variant has not been reported in the literature in individuals affected with FARS2-related conditions. ClinVar contains an entry for this variant (Variation ID: 1433148). Invitae Evidence Modeling of protein sequence and biophysical properties (such as structural, functional, and spatial information, amino acid conservation, physicochemical variation, residue mobility, and thermodynamic stability) indicates that this missense variant is expected to disrupt FARS2 protein function with a positive predictive value of 95%. In summary, the available evidence is currently insufficient to determine the role of this variant in disease. Therefore, it has been classified as a Variant of Uncertain Significance.

NM_006567.5(FARS2):c.592C>T (p.Arg198Trp)

Genes: FARS2 (phenylalanyl-tRNA synthetase 2, mitochondrial; plus strand), LOC126859565 (CDK7 strongly-dependent group 2 enhancer GRCh37_chr6:5368745-5369944; plus strand). Cytogenetic location: 6p25.1.
Variant type: single nucleotide variant.
Coding change: c.592C>T on transcript NM_006567.5 (MANE Select); coding-DNA position 592, C replaced by T.
Protein change: p.Arg198Trp; replaces arginine 198 with tryptophan.
Molecular consequence: missense variant. On other transcripts: intron variant (2).
Genome position (GRCh38, 1-based): chr6:5,369,162, C>T. VCF-style: chr6-5369162-C-T. GRCh37 (hg19) VCF-style: chr6-5369395-C-T.
Other names: c.592C>T, p.Arg198Trp (NM_001318872.2, NM_001374875.1, NM_001374876.1 and 5 more transcripts); c.-340-27471C>T (NM_001375260.1); c.-84-35380C>T (NM_001375259.1); short protein forms R198W.
Identifiers: ClinVar variation 1433148 (VCV001433148.6), dbSNP rs1232483392, ClinGen allele CA362735613.